The following is an entry in ClinVar:

ClinVar aggregate classification (germline): Uncertain significance (1 of 4 stars; one submission).

Allele frequency attached by ClinVar (database versions not stated): TOPMed below 0.00001; gnomAD 0.00001.

Submission:

Labcorp Genetics (formerly Invitae), Labcorp
Classification: Uncertain significance. Last evaluated: 2022-09-01. Review status: criteria provided, single submitter. Criteria: Invitae Variant Classification Sherloc (09022015). Collection method: clinical testing. Allele origin: germline.
Comment: This sequence change creates a premature translational stop signal (p.Ala912Leufs*29) in the EPHA4 gene. It is expected to result in an absent or disrupted protein product. However, the current clinical and genetic evidence is not sufficient to establish whether loss-of-function variants in EPHA4 cause disease. This variant is not present in population databases (gnomAD no frequency). This variant has not been reported in the literature in individuals affected with EPHA4-related conditions. ClinVar contains an entry for this variant (Variation ID: 1524087). In summary, the available evidence is currently insufficient to determine the role of this variant in disease. Therefore, it has been classified as a Variant of Uncertain Significance.

NM_004438.5(EPHA4):c.2733del (p.Ala912fs)

Gene: EPHA4 (EPH receptor A4; minus strand). Cytogenetic location: 2q36.1.
Variant type: Deletion.
Coding change: c.2733del on transcript NM_004438.5 (MANE Select); coding-DNA position 2733, one base deleted (T; older notation c.2733delT).
Protein change: p.Ala912fs; shifts the reading frame from alanine 912.
Molecular consequence: frameshift variant.
Genome position (GRCh38, 1-based): chr2:221,426,577, A deleted on the plus strand (T on the coding strand, the reverse complement: EPHA4 is on the minus strand). VCF-style (leftmost placement, unchanged base first): chr2-221426576-CA-C. GRCh37 (hg19) VCF-style: chr2-222291296-CA-C.
Other names: c.2733del, p.Ala912fs (NM_001304536.2, NM_001363748.2); c.2580del, p.Ala861fs (NM_001304537.2); short protein forms A861fs, A912fs.
Identifiers: ClinVar variation 1524087 (VCV001524087.6), dbSNP rs1689917240, ClinGen allele CA1042663586.